The following is an entry in ClinVar:

NM_022489.4(INF2):c.622C>G (p.Pro208Ala)

Gene: INF2 (inverted formin 2; plus strand). Cytogenetic location: 14q32.33.
Variant type: single nucleotide variant.
Coding change: c.622C>G on transcript NM_022489.4 (MANE Select); coding-DNA position 622, C replaced by G.
Protein change: p.Pro208Ala; replaces proline 208 with alanine.
Molecular consequence: missense variant.
Genome position (GRCh38, 1-based): chr14:104,703,409, C>G. VCF-style: chr14-104703409-C-G. GRCh37 (hg19) VCF-style: chr14-105169746-C-G.
Other names: c.622C>G, p.Pro208Ala (NM_001031714.4, NM_001426862.1, NM_001426863.1 and 6 more transcripts); short protein forms P208A.
Identifiers: ClinVar variation 2954018 (VCV002954018.3), dbSNP rs1889621769, ClinGen allele CA391213399.

ClinVar aggregate classification (germline): Uncertain significance (1 of 4 stars; one submission).

Conditions:
Charcot-Marie-Tooth disease dominant intermediate E. Also called: CHARCOT-MARIE-TOOTH NEUROPATHY WITH FOCAL SEGMENTAL GLOMERULONEPHRITIS. Identifiers: Orphanet 93114, MedGen C4302667, MONDO:0013758, OMIM 614455.
Focal segmental glomerulosclerosis 5 (FSGS5). Identifiers: Orphanet 656, MedGen C2750475, MONDO:0013191, OMIM 613237.

Allele frequency attached by ClinVar (database versions not stated): TOPMed below 0.00001.

Submission:

Labcorp Genetics (formerly Invitae), Labcorp
Classification: Uncertain significance for Charcot-Marie-Tooth disease dominant intermediate E; Focal segmental glomerulosclerosis 5. Last evaluated: 2025-01-20. Review status: criteria provided, single submitter. Criteria: Invitae Variant Classification Sherloc (09022015). Collection method: clinical testing. Allele origin: germline.
Comment: This sequence change replaces proline, which is neutral and non-polar, with alanine, which is neutral and non-polar, at codon 208 of the INF2 protein (p.Pro208Ala). This variant is not present in population databases (gnomAD no frequency). This variant has not been reported in the literature in individuals affected with INF2-related conditions. ClinVar contains an entry for this variant (Variation ID: 2954018). Invitae Evidence Modeling of protein sequence and biophysical properties (such as structural, functional, and spatial information, amino acid conservation, physicochemical variation, residue mobility, and thermodynamic stability) indicates that this missense variant is not expected to disrupt INF2 protein function with a negative predictive value of 95%. In summary, the available evidence is currently insufficient to determine the role of this variant in disease. Therefore, it has been classified as a Variant of Uncertain Significance.